The following is an entry in ClinVar:

ClinVar aggregate classification (germline): Likely pathogenic (1 of 4 stars; one submission).

Conditions:
Pontocerebellar hypoplasia type 2D (PCH2D). Also called: Progressive cerebello-cerebral atrophy. Identifiers: Orphanet 247198, Orphanet 2524, MedGen C3151140, MONDO:0013438, OMIM 613811.

Submission:

Natera, Inc.
Classification: Likely pathogenic for Pontocerebellar hypoplasia type 2d. Last evaluated: 2025-04-11. Review status: criteria provided, single submitter. Criteria: Natera Variant Classification Schema (03/2026). Collection method: clinical testing. Allele origin: germline.
Comment: The c.1195C>T variant in SEPSECS is a nonsense variant predicted to introduce a stop codon at amino acid 399. This variant is expected to result in nonsense mediated decay, truncation, or a dysfunctional protein product. This variant is rare in the general population with a frequency below the threshold expected for the associated phenotype(s). Given the available evidence, this variant is classified as Likely Pathogenic.

NM_016955.4(SEPSECS):c.1195C>T (p.Gln399Ter)

Gene: SEPSECS (Sep (O-phosphoserine) tRNA:Sec (selenocysteine) tRNA synthase; minus strand). Cytogenetic location: 4p15.2.
Variant type: single nucleotide variant.
Coding change: c.1195C>T on transcript NM_016955.4 (MANE Select); coding-DNA position 1195, C replaced by T.
Protein change: p.Gln399Ter; replaces glutamine 399 with a stop codon.
Molecular consequence: nonsense.
Genome position (GRCh38, 1-based): chr4:25,125,710, G>A on the plus strand (C>T on the coding strand, the complement: SEPSECS is on the minus strand). VCF-style: chr4-25125710-G-A. GRCh37 (hg19) VCF-style: chr4-25127332-G-A.
Other names: c.1450C>T, p.Gln484Ter (NM_001410714.1); short protein forms Q399*, Q484*.
Identifiers: ClinVar variation 4815888 (VCV004815888.1).